The following is an entry in ClinVar:

NM_006206.6(PDGFRA):c.1261G>C (p.Val421Leu)

Gene: PDGFRA (platelet derived growth factor receptor alpha; plus strand). Cytogenetic location: 4q12.
Variant type: single nucleotide variant.
Coding change: c.1261G>C on transcript NM_006206.6 (MANE Select); coding-DNA position 1261, G replaced by C.
Protein change: p.Val421Leu; replaces valine 421 with leucine.
Molecular consequence: missense variant.
Genome position (GRCh38, 1-based): chr4:54,272,417, G>C. VCF-style: chr4-54272417-G-C. GRCh37 (hg19) VCF-style: chr4-55138584-G-C.
Other names: c.1261G>C, p.Val421Leu (NM_001347827.2, NM_001347829.2); c.1336G>C, p.Val446Leu (NM_001347828.2); c.1300G>C, p.Val434Leu (NM_001347830.2); short protein forms V421L, V434L, V446L.
Identifiers: ClinVar variation 1720891 (VCV001720891.8), dbSNP rs2475481654, ClinGen allele CA356892183.

ClinVar aggregate classification (germline): Uncertain significance. Review status: criteria provided, multiple submitters, no conflicts (2 of 4 stars). 2 submissions from 2 submitters: Uncertain significance (2). Last evaluated 2023-04-18.

Conditions:
Gastrointestinal stromal tumor. Also called: Gastrointestinal stroma tumor; Gastrointestinal stromal tumor, somatic. Identifiers: Orphanet 44890, MedGen C0238198, MeSH D046152, MONDO:0011719, OMIM 606764, HP:0100723.
Hereditary cancer-predisposing syndrome. Also called: Tumor predisposition; Neoplastic Syndromes, Hereditary; Hereditary Cancer Syndrome; Hereditary neoplastic syndrome. Identifiers: Orphanet 140162, MedGen C0027672, MeSH D009386, MONDO:0015356.

Submissions (2):

Ambry Genetics
Classification: Uncertain significance for Hereditary cancer-predisposing syndrome. Last evaluated: 2023-04-18. Review status: criteria provided, single submitter. Criteria: Ambry Variant Classification Scheme 2023. Collection method: clinical testing. Allele origin: germline.

Labcorp Genetics (formerly Invitae), Labcorp
Classification: Uncertain significance for Gastrointestinal stromal tumor. Last evaluated: 2022-10-03. Review status: criteria provided, single submitter. Criteria: Invitae Variant Classification Sherloc (09022015). Collection method: clinical testing. Allele origin: germline.
Comment: In summary, the available evidence is currently insufficient to determine the role of this variant in disease. Therefore, it has been classified as a Variant of Uncertain Significance. Advanced modeling of protein sequence and biophysical properties (such as structural, functional, and spatial information, amino acid conservation, physicochemical variation, residue mobility, and thermodynamic stability) performed at Invitae indicates that this missense variant is not expected to disrupt PDGFRA protein function. This variant has not been reported in the literature in individuals affected with PDGFRA-related conditions. This variant is not present in population databases (gnomAD no frequency). This sequence change replaces valine, which is neutral and non-polar, with leucine, which is neutral and non-polar, at codon 421 of the PDGFRA protein (p.Val421Leu).